The following is an entry in ClinVar:

ClinVar aggregate classification (germline): Uncertain significance (1 of 4 stars; one submission).

Conditions:
Hereditary sensory and autonomic neuropathy type 6. Also called: HSAN VI; Neuropathy, hereditary sensory and autonomic, type VI. Identifiers: Orphanet 314381, MedGen C3539003, MONDO:0013839, OMIM 614653.
Epidermolysis bullosa simplex 3, localized or generalized intermediate, with BP230 deficiency (EBS3). Also called: Epidermolysis bullosa simplex, autosomal recessive 2; Epidermolysis bullosa simplex due to BP230 deficiency. Identifiers: Orphanet 412181, MedGen C3809470, MONDO:0014180, OMIM 615425.

Allele frequency attached by ClinVar (database versions not stated): gnomAD exomes below 0.00001; gnomAD 0.00001.
gnomAD v4.1: 2 of 1,614,042 alleles (0.00012%); highest among the groups gnomAD compares: African/African-American, 0.0027%; no homozygotes.

Submission:

Labcorp Genetics (formerly Invitae), Labcorp
Classification: Uncertain significance for Epidermolysis bullosa simplex 3, localized or generalized intermediate, with BP230 deficiency; Hereditary sensory and autonomic neuropathy type 6. Last evaluated: 2022-07-26. Review status: criteria provided, single submitter. Criteria: Invitae Variant Classification Sherloc (09022015). Collection method: clinical testing. Allele origin: germline.
Comment: This sequence change replaces histidine, which is basic and polar, with tyrosine, which is neutral and polar, at codon 1902 of the DST protein (p.His1902Tyr). This variant is not present in population databases (gnomAD no frequency). This variant has not been reported in the literature in individuals affected with DST-related conditions. ClinVar contains an entry for this variant (Variation ID: 1345471). Algorithms developed to predict the effect of missense changes on protein structure and function (SIFT, PolyPhen-2, Align-GVGD) all suggest that this variant is likely to be tolerated. In summary, the available evidence is currently insufficient to determine the role of this variant in disease. Therefore, it has been classified as a Variant of Uncertain Significance.

NM_001723.7(DST):c.5704C>T (p.His1902Tyr)

Gene: DST (dystonin; minus strand). Cytogenetic location: 6p12.1.
Variant type: single nucleotide variant.
Coding change: c.5704C>T on transcript NM_001723.7 (MANE Plus Clinical); coding-DNA position 5704, C replaced by T.
Protein change: p.His1902Tyr; replaces histidine 1902 with tyrosine.
Molecular consequence: missense variant. On other transcripts: intron variant (10).
Genome position (GRCh38, 1-based): chr6:56,618,330, G>A on the plus strand (C>T on the coding strand, the complement: DST is on the minus strand). VCF-style: chr6-56618330-G-A. GRCh37 (hg19) VCF-style: chr6-56483128-G-A.
Other names: c.4930-3846C>T (NM_001374736.1, NM_001374722.1); c.4957-3846C>T (NM_001374734.1); c.4417-3846C>T (NM_001144770.2); c.4297-3846C>T (NM_001374730.1, NM_001386100.1, NM_183380.4 and 1 more transcripts); c.3319-3846C>T (NM_015548.5); c.4831-3846C>T (NM_001144769.5); short protein forms H1902Y.
Identifiers: ClinVar variation 1345471 (VCV001345471.8), dbSNP rs2098649940, ClinGen allele CA364566759.